The following is an entry in ClinVar:

NM_001384140.1(PCDH15):c.4024C>T (p.Gln1342Ter)

Gene: PCDH15 (protocadherin related 15; minus strand). Cytogenetic location: 10q21.1.
Variant type: single nucleotide variant.
Coding change: c.4024C>T on transcript NM_001384140.1 (MANE Select); coding-DNA position 4024, C replaced by T.
Protein change: p.Gln1342Ter; replaces glutamine 1342 with a stop codon.
Molecular consequence: nonsense.
Genome position (GRCh38, 1-based): chr10:53,831,493, G>A on the plus strand (C>T on the coding strand, the complement: PCDH15 is on the minus strand). VCF-style: chr10-53831493-G-A. GRCh37 (hg19) VCF-style: chr10-55591253-G-A.
Other names: c.4039C>T, p.Gln1347Ter (NM_001142763.2, NM_001142771.2); c.4024C>T, p.Gln1342Ter (NM_001142764.2, NM_001142766.2, NM_001142770.3 and 4 more transcripts); c.3811C>T, p.Gln1271Ter (NM_001142765.2); c.3913C>T, p.Gln1305Ter (NM_001142767.2); c.3958C>T, p.Gln1320Ter (NM_001142768.2, NM_001142773.2, NM_001354404.2); c.4060C>T, p.Gln1354Ter (NM_001142769.4); c.4045C>T, p.Gln1349Ter (NM_001354411.2); short protein forms Q1271*, Q1342*, Q1305*, Q1354*, Q1347*, Q1349*, Q1320*.
Identifiers: ClinVar variation 1441248 (VCV001441248.6), dbSNP rs61731387, ClinGen allele CA376528539.

ClinVar aggregate classification (germline): Pathogenic (1 of 4 stars; one submission).

Submission:

Labcorp Genetics (formerly Invitae), Labcorp
Classification: Pathogenic. Last evaluated: 2020-11-06. Review status: criteria provided, single submitter. Criteria: Invitae Variant Classification Sherloc (09022015). Collection method: clinical testing. Allele origin: germline.
Comment: For these reasons, this variant has been classified as Pathogenic. This variant has not been reported in the literature in individuals with PCDH15-related conditions. This variant is not present in population databases (ExAC no frequency). This sequence change creates a premature translational stop signal (p.Gln1342*) in the PCDH15 gene. It is expected to result in an absent or disrupted protein product. Loss-of-function variants in PCDH15 are known to be pathogenic (PMID: 11398101, 11487575, 14570705).

Literature cited by the submitters: PubMed 11398101; PubMed 11487575; PubMed 14570705.